The following is an entry in ClinVar:

NM_012470.4(TNPO3):c.655A>G (p.Met219Val)

Gene: TNPO3 (transportin 3; minus strand). Cytogenetic location: 7q32.1.
Variant type: single nucleotide variant.
Coding change: c.655A>G on transcript NM_012470.4 (MANE Select); coding-DNA position 655, A replaced by G.
Protein change: p.Met219Val; replaces methionine 219 with valine.
Molecular consequence: missense variant. On other transcripts: non-coding transcript variant (18), intron variant (1).
Genome position (GRCh38, 1-based): chr7:129,005,057, T>C on the plus strand (A>G on the coding strand, the complement: TNPO3 is on the minus strand). VCF-style: chr7-129005057-T-C. GRCh37 (hg19) VCF-style: chr7-128645111-T-C.
Other names: c.655A>G, p.Met219Val (NM_001191028.3, NM_001382216.1, NM_001382218.1 and 4 more transcripts); c.736A>G, p.Met246Val (NM_001382217.1); c.553-3823A>G (NM_001382221.1); short protein forms M219V, M246V.
Identifiers: ClinVar variation 2910692 (VCV002910692.3), dbSNP rs1342275392, ClinGen allele CA369241613.

ClinVar aggregate classification (germline): Uncertain significance (1 of 4 stars; one submission).

Conditions:
Autosomal dominant limb-girdle muscular dystrophy type 1F (LGMDD2). Also called: Limb-girdle muscular dystrophy, type 1F; MUSCULAR DYSTROPHY, LIMB-GIRDLE, AUTOSOMAL DOMINANT 2. Identifiers: Orphanet 55595, MedGen C1842062, MONDO:0012034, OMIM 608423.

Allele frequency attached by ClinVar (database versions not stated): TOPMed below 0.00001; gnomAD 0.00001.
gnomAD v4.1: 3 of 1,613,802 alleles (0.00019%); highest among the groups gnomAD compares: Admixed American, 0.0033%; no homozygotes.

Submission:

Labcorp Genetics (formerly Invitae), Labcorp
Classification: Uncertain significance for Autosomal dominant limb-girdle muscular dystrophy type 1F. Last evaluated: 2023-12-15. Review status: criteria provided, single submitter. Criteria: Invitae Variant Classification Sherloc (09022015). Collection method: clinical testing. Allele origin: germline.
Comment: This sequence change replaces methionine, which is neutral and non-polar, with valine, which is neutral and non-polar, at codon 219 of the TNPO3 protein (p.Met219Val). This variant is present in population databases (no rsID available, gnomAD 0.01%). This variant has not been reported in the literature in individuals affected with TNPO3-related conditions. Advanced modeling of protein sequence and biophysical properties (such as structural, functional, and spatial information, amino acid conservation, physicochemical variation, residue mobility, and thermodynamic stability) performed at Invitae indicates that this missense variant is not expected to disrupt TNPO3 protein function with a negative predictive value of 80%. In summary, the available evidence is currently insufficient to determine the role of this variant in disease. Therefore, it has been classified as a Variant of Uncertain Significance.